The following is an entry in ClinVar:

ClinVar aggregate classification (germline): Uncertain significance (1 of 4 stars; one submission).

Conditions:
46,XY sex reversal 7. Also called: DHH-Related 46,XY complete gonadal dysgenesis; 46,XY SEX REVERSAL, PARTIAL OR COMPLETE, DHH-RELATED; GONADAL DYSGENESIS, XY, MALE-LIMITED; 46,XY GONADAL DYSGENESIS, PARTIAL OR COMPLETE, DHH-RELATED. Identifiers: Orphanet 242, MedGen C1856273, MONDO:0009301, OMIM 233420.

gnomAD v4.1: 30 of 1,612,366 alleles (0.0019%); highest among the groups gnomAD compares: Non-Finnish European, 0.0025%; no homozygotes.

Submission:

Labcorp Genetics (formerly Invitae), Labcorp
Classification: Uncertain significance for 46,XY sex reversal 7. Last evaluated: 2025-10-27. Review status: criteria provided, single submitter. Criteria: Invitae Variant Classification Sherloc (09022015). Collection method: clinical testing. Allele origin: germline.
Comment: This sequence change replaces valine, which is neutral and non-polar, with leucine, which is neutral and non-polar, at codon 41 of the DHH protein (p.Val41Leu). This variant is present in population databases (rs772856431, gnomAD 0.0009%). This variant has not been reported in the literature in individuals affected with DHH-related conditions. ClinVar contains an entry for this variant (Variation ID: 2178846). Invitae Evidence Modeling of protein sequence and biophysical properties (such as structural, functional, and spatial information, amino acid conservation, physicochemical variation, residue mobility, and thermodynamic stability) indicates that this missense variant is not expected to disrupt DHH protein function with a negative predictive value of 80%. In summary, the available evidence is currently insufficient to determine the role of this variant in disease. Therefore, it has been classified as a Variant of Uncertain Significance.

NM_021044.4(DHH):c.121G>T (p.Val41Leu)

Genes: DHH (desert hedgehog signaling molecule; minus strand), DHH-AS1 (DHH antisense RNA 1; plus strand). Cytogenetic location: 12q13.12.
Variant type: single nucleotide variant.
Coding change: c.121G>T on transcript NM_021044.4 (MANE Select); coding-DNA position 121, G replaced by T.
Protein change: p.Val41Leu; replaces valine 41 with leucine.
Molecular consequence: missense variant.
Genome position (GRCh38, 1-based): chr12:49,094,392, C>A on the plus strand (G>T on the coding strand, the complement: DHH is on the minus strand). VCF-style: chr12-49094392-C-A. GRCh37 (hg19) VCF-style: chr12-49488175-C-A.
Other names: short protein forms V41L.
Identifiers: ClinVar variation 2178846 (VCV002178846.4), dbSNP rs772856431, ClinGen allele CA236657473.